The following is an entry in ClinVar:

NM_001042492.3(NF1):c.7305C>T (p.Ser2435=)

Gene: NF1 (neurofibromin 1; plus strand). Cytogenetic location: 17q11.2.
Variant type: single nucleotide variant.
Coding change: c.7305C>T on transcript NM_001042492.3 (MANE Select); coding-DNA position 7305, C replaced by T.
Protein change: p.Ser2435=; no amino-acid change (serine 2435 retained).
Molecular consequence: synonymous variant.
Genome position (GRCh38, 1-based): chr17:31,349,235, C>T. VCF-style: chr17-31349235-C-T. GRCh37 (hg19) VCF-style: chr17-29676253-C-T.
Other names: c.7242C>T, p.Ser2414= (NM_000267.4).
Identifiers: ClinVar variation 232310 (VCV000232310.16), dbSNP rs369754180, ClinGen allele CA8487537.

ClinVar aggregate classification (germline): Benign/Likely benign. Review status: criteria provided, multiple submitters, no conflicts (2 of 4 stars). 6 submissions from 5 submitters: Benign (2); Likely benign (4). Last evaluated 2026-05-21.

Conditions:
Neurofibromatosis, familial spinal (FSNF). Identifiers: Orphanet 636, MedGen C1834235, MONDO:0008078, OMIM 162210. Disease mechanism: loss of function.
Neurofibromatosis, type 1 (NF1). Also called: NEUROFIBROMATOSIS, TYPE I, SOMATIC; Neurofibromatosis, type I; VON RECKLINGHAUSEN DISEASE; Peripheral type neurofibromatosis. Identifiers: Orphanet 636, MedGen C0027831, MONDO:0018975, OMIM 162200. Disease mechanism: loss of function.
Hereditary cancer-predisposing syndrome. Also called: Hereditary neoplastic syndrome; Neoplastic Syndromes, Hereditary; Hereditary Cancer Syndrome; Tumor predisposition. Identifiers: Orphanet 140162, MedGen C0027672, MeSH D009386, MONDO:0015356.

Allele frequency attached by ClinVar (database versions not stated): gnomAD 0.00001; ESP Exome Variant Server 0.00008; TOPMed below 0.00001; gnomAD exomes 0.00001 and 0.00002; ExAC 0.00003.
gnomAD v4.1: 16 of 1,612,894 alleles (0.00099%); highest among the groups gnomAD compares: South Asian, 0.0066%; no homozygotes.

Submissions (6):

Myriad Genetics, Inc.
Classification: Benign for Neurofibromatosis, type 1. Last evaluated: 2026-05-21. Review status: criteria provided, single submitter. Criteria: Myriad Autosomal Dominant, Autosomal Recessive and X-Linked Classification Criteria (2023). Collection method: clinical testing. Allele origin: unknown.
Comment: This variant is considered benign. This variant is a silent/synonymous amino acid change and it is not expected to impact splicing.

Labcorp Genetics (formerly Invitae), Labcorp
Classification: Likely benign for Neurofibromatosis, type 1. Last evaluated: 2025-12-22. Review status: criteria provided, single submitter. Criteria: Invitae Variant Classification Sherloc (09022015). Collection method: clinical testing. Allele origin: germline.

KCCC/NGS Laboratory, Kuwait Cancer Control Center
Classification: Benign for Neurofibromatosis, type 1. Last evaluated: 2025-02-01. Review status: criteria provided, single submitter. Criteria: ACMG Guidelines, 2015. Collection method: clinical testing. Allele origin: germline. Affected: no.

KCCC/NGS Laboratory, Kuwait Cancer Control Center
Classification: Likely benign for Neurofibromatosis, familial spinal. Last evaluated: 2023-07-07. Review status: criteria provided, single submitter. Criteria: ACMG Guidelines, 2015. Collection method: clinical testing. Allele origin: germline. Affected: yes.

Genome-Nilou Lab
Classification: Likely benign for Neurofibromatosis, type 1. Last evaluated: 2022-03-15. Review status: criteria provided, single submitter. Criteria: ACMG Guidelines, 2015. Collection method: clinical testing. Allele origin: germline. Affected: no.

Ambry Genetics
Classification: Likely benign for Hereditary cancer-predisposing syndrome. Last evaluated: 2015-06-09. Review status: criteria provided, single submitter. Criteria: Ambry Autosomal Dominant and X-Linked criteria (10/2015). Collection method: clinical testing. Allele origin: germline. Observed: 1 variant allele.